The following is an entry in ClinVar:

ClinVar aggregate classification (germline): Likely pathogenic. Review status: criteria provided, multiple submitters, no conflicts (2 of 4 stars). 3 submissions from 3 submitters: Likely pathogenic (2). 1 of the submissions does not count toward it. Last evaluated 2025-03-17.

Conditions:
Neurodevelopmental disorder with progressive spasticity and brain white matter abnormalities. Also called: CEREBRAL PALSY, SPASTIC QUADRIPLEGIC, 1. Identifiers: Orphanet 210141, Orphanet 641353, MedGen C5436628, MONDO:0033613, OMIM 619026.
Spastic paraplegia. Identifiers: MedGen C0037772, HP:0001258.

Allele frequency attached by ClinVar (database versions not stated): gnomAD exomes 0.00001; TOPMed 0.00001; 1000 Genomes Project 30x 0.00016; 1000 Genomes Project 0.00020.
gnomAD v4.1: 23 of 1,587,018 alleles (0.0014%); highest among the groups gnomAD compares: East Asian, 0.0022%; no homozygotes.

Submissions (3):

Institute of Human Genetics, University of Leipzig Medical Center
Classification: Likely pathogenic for Neurodevelopmental disorder with progressive spasticity and brain white matter abnormalities. Last evaluated: 2025-03-17. Review status: criteria provided, single submitter. Criteria: ACMG Guidelines, 2015. Collection method: clinical testing. Allele origin: inherited. Inheritance: Autosomal recessive inheritance. Affected: yes.
Comment: Criteria applied: PM2,PM3,PM5,PP3

Equipe Genetique des Anomalies du Developpement, Université de Bourgogne
Classification: Likely pathogenic for Neurodevelopmental disorder with progressive spasticity and brain white matter abnormalities. Last evaluated: 2020-09-29. Review status: criteria provided, single submitter. Criteria: ACMG Guidelines, 2015. Collection method: research. Allele origin: biparental. Affected: yes.

Yale Center for Mendelian Genomics, Yale University
Classification: Likely pathogenic for Spastic paraplegia. Last evaluated: 2021-05-10. Review status: no assertion criteria provided. Collection method: literature only. Allele origin: germline. Affected: yes. Observed: 1 homozygote. Study: Yale Center for Mendelian Genomics. Not counted in ClinVar's aggregate classification.

Literature cited by the submitters: PubMed 33970200 (cited by Yale Center for Mendelian Genomics, Yale University).

NM_032756.4(HPDL):c.788C>T (p.Thr263Met)

Gene: HPDL (4-hydroxyphenylpyruvate dioxygenase like; plus strand). Cytogenetic location: 1p34.1.
Variant type: single nucleotide variant.
Coding change: c.788C>T on transcript NM_032756.4 (MANE Select); coding-DNA position 788, C replaced by T.
Protein change: p.Thr263Met; replaces threonine 263 with methionine.
Molecular consequence: missense variant.
Genome position (GRCh38, 1-based): chr1:45,327,936, C>T. VCF-style: chr1-45327936-C-T. GRCh37 (hg19) VCF-style: chr1-45793608-C-T.
Other names: short protein forms T263M.
Identifiers: ClinVar variation 982397 (VCV000982397.7), dbSNP rs116004018, ClinGen allele CA826326.